The following is an entry in ClinVar:

NM_006767.4(LZTR1):c.2261A>C (p.Asn754Thr)

Gene: LZTR1 (leucine zipper like post translational regulator 1; plus strand). Cytogenetic location: 22q11.21.
Variant type: single nucleotide variant.
Coding change: c.2261A>C on transcript NM_006767.4 (MANE Select); coding-DNA position 2261, A replaced by C.
Protein change: p.Asn754Thr; replaces asparagine 754 with threonine.
Molecular consequence: missense variant.
Genome position (GRCh38, 1-based): chr22:20,996,737, A>C. VCF-style: chr22-20996737-A-C. GRCh37 (hg19) VCF-style: chr22-21351026-A-C.
Other names: short protein forms N754T.
Identifiers: ClinVar variation 3238225 (VCV003238225.1), dbSNP rs2518625701.

ClinVar aggregate classification (germline): Uncertain significance (1 of 4 stars; one submission).

Conditions:
Hereditary cancer-predisposing syndrome. Also called: Neoplastic Syndromes, Hereditary; Tumor predisposition; Hereditary neoplastic syndrome; Hereditary Cancer Syndrome. Identifiers: Orphanet 140162, MedGen C0027672, MeSH D009386, MONDO:0015356.
Cardiovascular phenotype. Identifiers: MedGen CN230736.

Submission:

Ambry Genetics
Classification: Uncertain significance for Cardiovascular phenotype; Hereditary cancer-predisposing syndrome. Last evaluated: 2023-12-18. Review status: criteria provided, single submitter. Criteria: Ambry Variant Classification Scheme 2023. Collection method: clinical testing. Allele origin: germline.
Comment: The p.N754T variant (also known as c.2261A>C), located in coding exon 19 of the LZTR1 gene, results from an A to C substitution at nucleotide position 2261. The asparagine at codon 754 is replaced by threonine, an amino acid with similar properties. This amino acid position is conserved. In addition, this alteration is predicted to be tolerated by in silico analysis. Since supporting evidence is limited at this time, the clinical significance of this alteration remains unclear.